The following is an entry in ClinVar:

ClinVar aggregate classification (germline): Uncertain significance. Review status: criteria provided, multiple submitters, no conflicts (2 of 4 stars). 2 submissions from 2 submitters: Uncertain significance (2). Last evaluated 2022-11-28.

Conditions:
Intellectual developmental disorder, X-linked, syndromic, Turner type. Also called: X-linked intellectual disability, Turner type; Intellectual disability, X-linked syndromic, Turner type. Identifiers: Orphanet 3056, Orphanet 85328, MedGen C2678046, MONDO:0010407, OMIM 309590.

Allele frequency attached by ClinVar (database versions not stated): gnomAD exomes below 0.00001; TOPMed 0.00002; gnomAD 0.00002.
gnomAD v4.1: 4 of 1,209,427 alleles (0.00033%); highest among the groups gnomAD compares: African/African-American, 0.0018%; no homozygotes.

Submissions (2):

Greenwood Genetic Center Diagnostic Laboratories, Greenwood Genetic Center
Classification: Uncertain significance. Last evaluated: 2022-11-28. Review status: criteria provided, single submitter. Criteria: ACMG Guidelines, 2015. Collection method: clinical testing. Allele origin: germline. Affected: yes.
Comment: PM2

CENTOGENE GmbH and LLC - Guiding Precision Medicine
Classification: Uncertain significance for Intellectual developmental disorder, X-linked, syndromic, Turner type. Last evaluated: 2021-06-15. Review status: criteria provided, single submitter. Criteria: ACMG Guidelines, 2015. Collection method: clinical testing. Allele origin: maternal.

NM_031407.7(HUWE1):c.8809G>A (p.Gly2937Arg)

Gene: HUWE1 (HECT, UBA and WWE domain containing E3 ubiquitin protein ligase 1; minus strand). Cytogenetic location: Xp11.22.
Variant type: single nucleotide variant.
Coding change: c.8809G>A on transcript NM_031407.7 (MANE Select); coding-DNA position 8809, G replaced by A.
Protein change: p.Gly2937Arg; replaces glycine 2937 with arginine.
Molecular consequence: missense variant.
Genome position (GRCh38, 1-based): chrX:53,552,383, C>T on the plus strand (G>A on the coding strand, the complement: HUWE1 is on the minus strand). VCF-style: chrX-53552383-C-T. GRCh37 (hg19) VCF-style: chrX-53579344-C-T.
Other names: short protein forms G2937R.
Identifiers: ClinVar variation 1334037 (VCV001334037.5), dbSNP rs1370251359, ClinGen allele CA413144938.